The following is an entry in ClinVar:

NM_001386140.1(MTTP):c.826A>G (p.Ile276Val)

Gene: MTTP (microsomal triglyceride transfer protein; plus strand). Cytogenetic location: 4q23.
Variant type: single nucleotide variant.
Coding change: c.826A>G on transcript NM_001386140.1 (MANE Select); coding-DNA position 826, A replaced by G.
Protein change: p.Ile276Val; replaces isoleucine 276 with valine.
Molecular consequence: missense variant.
Genome position (GRCh38, 1-based): chr4:99,594,800, A>G. VCF-style: chr4-99594800-A-G. GRCh37 (hg19) VCF-style: chr4-100515957-A-G.
Other names: c.826A>G, p.Ile276Val (NM_000253.4); c.577A>G, p.Ile193Val (NM_001300785.2); c.826A>G (NM_000253.3); short protein forms I276V, I193V.
Identifiers: ClinVar variation 1523281 (VCV001523281.5), dbSNP rs1725513056, ClinGen allele CA357505784.

ClinVar aggregate classification (germline): Uncertain significance. Review status: criteria provided, single submitter (1 of 4 stars). 2 submissions from 2 submitters: Uncertain significance (1). 1 of the submissions does not count toward it. Last evaluated 2021-11-06.

Conditions:
Abetalipoproteinaemia (ABL). Also called: MTP DEFICIENCY; Abetalipoproteinemia; Abetalipoproteinemia neuropathy; Apolipoprotein B deficiency; Congenital betalipoprotein deficiency syndrome. Identifiers: Orphanet 14, MedGen C0000744, MONDO:0008692, OMIM 200100, HP:0008181.

Allele frequency attached by ClinVar (database versions not stated): gnomAD exomes 0.00001.
gnomAD v4.1: 4 of 1,614,110 alleles (0.00025%); highest among the groups gnomAD compares: Non-Finnish European, 0.00034%; no homozygotes.

Submissions (2):

Labcorp Genetics (formerly Invitae), Labcorp
Classification: Uncertain significance. Last evaluated: 2021-11-06. Review status: criteria provided, single submitter. Criteria: Invitae Variant Classification Sherloc (09022015). Collection method: clinical testing. Allele origin: germline.
Comment: This sequence change replaces isoleucine, which is neutral and non-polar, with valine, which is neutral and non-polar, at codon 276 of the MTTP protein (p.Ile276Val). This variant is not present in population databases (gnomAD no frequency). This variant has not been reported in the literature in individuals affected with MTTP-related conditions. Algorithms developed to predict the effect of missense changes on protein structure and function output the following: SIFT: "Tolerated"; PolyPhen-2: "Benign"; Align-GVGD: "Class C0". The valine amino acid residue is found in multiple mammalian species, which suggests that this missense change does not adversely affect protein function. In summary, the available evidence is currently insufficient to determine the role of this variant in disease. Therefore, it has been classified as a Variant of Uncertain Significance.

Natera, Inc.
Classification: Uncertain significance for Abetalipoproteinemia. Last evaluated: 2025-04-21. Review status: no assertion criteria provided. Collection method: clinical testing. Allele origin: germline. Not counted in ClinVar's aggregate classification.